The following is an entry in ClinVar:

NM_024675.4(PALB2):c.86G>T (p.Ser29Ile)

Gene: PALB2 (partner and localizer of BRCA2; minus strand). Cytogenetic location: 16p12.2.
Variant type: single nucleotide variant.
Coding change: c.86G>T on transcript NM_024675.4 (MANE Select); coding-DNA position 86, G replaced by T.
Protein change: p.Ser29Ile; replaces serine 29 with isoleucine.
Molecular consequence: missense variant.
Genome position (GRCh38, 1-based): chr16:23,638,092, C>A on the plus strand (G>T on the coding strand, the complement: PALB2 is on the minus strand). VCF-style: chr16-23638092-C-A. GRCh37 (hg19) VCF-style: chr16-23649413-C-A.
Other names: c.86G>T, p.Ser29Ile (NM_001407297.1, NM_001407298.1, NM_001407299.1 and 3 more transcripts); c.-800G>T (NM_001407304.1, NM_001407305.1, NM_001407306.1 and 5 more transcripts); short protein forms S29I.
Identifiers: ClinVar variation 1764364 (VCV001764364.2), dbSNP rs1967110973, ClinGen allele CA395139714.

ClinVar aggregate classification (germline): Uncertain significance (1 of 4 stars; one submission).

Conditions:
Hereditary cancer-predisposing syndrome. Also called: Neoplastic Syndromes, Hereditary; Tumor predisposition; Hereditary Cancer Syndrome; Hereditary neoplastic syndrome. Identifiers: Orphanet 140162, MedGen C0027672, MeSH D009386, MONDO:0015356.

Submission:

Ambry Genetics
Classification: Uncertain significance for Hereditary cancer-predisposing syndrome. Last evaluated: 2022-07-05. Review status: criteria provided, single submitter. Criteria: Ambry Variant Classification Scheme 2023. Collection method: clinical testing. Allele origin: germline.
Comment: The p.S29I variant (also known as c.86G>T), located in coding exon 2 of the PALB2 gene, results from a G to T substitution at nucleotide position 86. The serine at codon 29 is replaced by isoleucine, an amino acid with dissimilar properties. This amino acid position is conserved. In addition, this alteration is predicted to be tolerated by in silico analysis. Since supporting evidence is limited at this time, the clinical significance of this alteration remains unclear.